The following is an entry in ClinVar:

NM_144687.4(NLRP12):c.1885G>C (p.Ala629Pro)

Gene: NLRP12 (NLR family pyrin domain containing 12; minus strand). Cytogenetic location: 19q13.42.
Variant type: single nucleotide variant.
Coding change: c.1885G>C on transcript NM_144687.4 (MANE Select); coding-DNA position 1885, G replaced by C.
Protein change: p.Ala629Pro; replaces alanine 629 with proline.
Molecular consequence: missense variant.
Genome position (GRCh38, 1-based): chr19:53,809,774, C>G on the plus strand (G>C on the coding strand, the complement: NLRP12 is on the minus strand). VCF-style: chr19-53809774-C-G. GRCh37 (hg19) VCF-style: chr19-54313028-C-G.
Other names: c.1885G>C, p.Ala629Pro (NM_001277126.2, NM_001277129.1); short protein forms A629P.
Identifiers: ClinVar variation 3662477 (VCV003662477.2).
Genomic context (GRCh38, chr19:53,809,774, plus strand): 5'-CCATGTGCTCCATCTTGGAGGCAATGTTGCTGACCACGATCACCTGGAAGTGGCTCAGGG[C>G]CTGCTGGATAAACTCCTCCTCCTGGATCTCGTACAAGCAGCTGAAGAACTCCAAGGAGCC-3'
Protein context (NP_653288.1, residues 619-639): EIQEEEFIQQ[Ala629Pro]LSHFQVIVVS

ClinVar aggregate classification (germline): Uncertain significance (1 of 4 stars; one submission).

Conditions:
Familial cold autoinflammatory syndrome 2 (FCAS2). Identifiers: Orphanet 247868, MedGen C2673198, MONDO:0012724, OMIM 611762.

Submission:

Labcorp Genetics (formerly Invitae), Labcorp
Classification: Uncertain significance for Familial cold autoinflammatory syndrome 2. Last evaluated: 2024-08-31. Review status: criteria provided, single submitter. Criteria: Invitae Variant Classification Sherloc (09022015). Collection method: clinical testing. Allele origin: germline.
Comment: This sequence change replaces alanine, which is neutral and non-polar, with proline, which is neutral and non-polar, at codon 629 of the NLRP12 protein (p.Ala629Pro). This variant is not present in population databases (gnomAD no frequency). This variant has not been reported in the literature in individuals affected with NLRP12-related conditions. Invitae Evidence Modeling of protein sequence and biophysical properties (such as structural, functional, and spatial information, amino acid conservation, physicochemical variation, residue mobility, and thermodynamic stability) indicates that this missense variant is expected to disrupt NLRP12 protein function with a positive predictive value of 80%. In summary, the available evidence is currently insufficient to determine the role of this variant in disease. Therefore, it has been classified as a Variant of Uncertain Significance.